The following is an entry in ClinVar:

ClinVar aggregate classification (germline): Uncertain significance (1 of 4 stars; one submission).

Conditions:
Hereditary cancer-predisposing syndrome. Also called: Neoplastic Syndromes, Hereditary; Tumor predisposition; Hereditary Cancer Syndrome; Hereditary neoplastic syndrome. Identifiers: Orphanet 140162, MedGen C0027672, MeSH D009386, MONDO:0015356.

Submission:

Ambry Genetics
Classification: Uncertain significance for Hereditary cancer-predisposing syndrome. Last evaluated: 2021-12-10. Review status: criteria provided, single submitter. Criteria: Ambry Variant Classification Scheme 2023. Collection method: clinical testing. Allele origin: germline.
Comment: The p.K66N variant (also known as c.198G>T), located in coding exon 3 of the MRE11A gene, results from a G to T substitution at nucleotide position 198. The lysine at codon 66 is replaced by asparagine, an amino acid with similar properties. This amino acid position is conserved. In addition, the in silico prediction for this alteration is inconclusive. Since supporting evidence is limited at this time, the clinical significance of this alteration remains unclear.

NM_005591.4(MRE11):c.198G>T (p.Lys66Asn)

Gene: MRE11 (MRE11 double strand break repair nuclease; minus strand). Cytogenetic location: 11q21.
Variant type: single nucleotide variant.
Coding change: c.198G>T on transcript NM_005591.4 (MANE Select); coding-DNA position 198, G replaced by T.
Protein change: p.Lys66Asn; replaces lysine 66 with asparagine.
Molecular consequence: missense variant.
Genome position (GRCh38, 1-based): chr11:94,486,040, C>A on the plus strand (G>T on the coding strand, the complement: MRE11 is on the minus strand). VCF-style: chr11-94486040-C-A. GRCh37 (hg19) VCF-style: chr11-94219206-C-A.
Other names: c.198G>T, p.Lys66Asn (NM_001330347.2, NM_005590.4); short protein forms K66N.
Identifiers: ClinVar variation 1799766 (VCV001799766.2), dbSNP rs1947135192, ClinGen allele CA382379761.